The following is an entry in ClinVar:

NM_000059.4(BRCA2):c.4412del (p.Arg1471fs)

Gene: BRCA2 (BRCA2 DNA repair associated; plus strand). Cytogenetic location: 13q13.1.
Variant type: Deletion.
Coding change: c.4412del on transcript NM_000059.4 (MANE Select); coding-DNA position 4412, one base deleted (G; older notation c.4412delG).
Protein change: p.Arg1471fs; shifts the reading frame from arginine 1471.
Molecular consequence: frameshift variant.
Genome position (GRCh38, 1-based): chr13:32,338,767, G deleted. VCF-style (leftmost placement, unchanged base first): chr13-32338766-AG-A. GRCh37 (hg19) VCF-style: chr13-32912903-AG-A.
Other names: c.4412delG, p.Arg1471Lysfs (NM_001406719.1, NM_001406720.1); short protein forms R1471fs.
Identifiers: ClinVar variation 1740414 (VCV001740414.2), dbSNP rs2548528315, ClinGen allele CA2580087284.
Genomic context (GRCh38, chr13:32,338,766, plus strand): 5'-GATCAGAAACCAGAAGAATTGCATAACTTTTCCTTAAATTCTGAATTACATTCTGACATA[AG>A]AAAGAACAAAATGGACATTCTAAGTTATGAGGAAACAGACATAGTTAAACACAAAATACT-3'

ClinVar aggregate classification (germline): Pathogenic (1 of 4 stars; one submission).

Conditions:
Hereditary cancer-predisposing syndrome. Also called: Hereditary Cancer Syndrome; Hereditary neoplastic syndrome; Neoplastic Syndromes, Hereditary; Tumor predisposition. Identifiers: Orphanet 140162, MedGen C0027672, MeSH D009386, MONDO:0015356.

Submission:

Ambry Genetics
Classification: Pathogenic for Hereditary cancer-predisposing syndrome. Last evaluated: 2017-10-04. Review status: criteria provided, single submitter. Criteria: Ambry Variant Classification Scheme 2023. Collection method: clinical testing. Allele origin: germline.
Comment: The c.4412delG pathogenic mutation, located in coding exon 10 of the BRCA2 gene, results from a deletion of one nucleotide at nucleotide position 4412, causing a translational frameshift with a predicted alternate stop codon (p.R1471Kfs*8). This alteration is expected to result in loss of function by premature protein truncation or nonsense-mediated mRNA decay. As such, this alteration is interpreted as a disease-causing mutation.